The following is an entry in ClinVar:

ClinVar aggregate classification (germline): Uncertain significance (1 of 4 stars; one submission).

Submission:

Labcorp Genetics (formerly Invitae), Labcorp
Classification: Uncertain significance. Last evaluated: 2022-04-12. Review status: criteria provided, single submitter. Criteria: Invitae Variant Classification Sherloc (09022015). Collection method: clinical testing. Allele origin: germline.
Comment: In summary, the available evidence is currently insufficient to determine the role of this variant in disease. Therefore, it has been classified as a Variant of Uncertain Significance. Algorithms developed to predict the effect of missense changes on protein structure and function (SIFT, PolyPhen-2, Align-GVGD) all suggest that this variant is likely to be tolerated. This variant has not been reported in the literature in individuals affected with PIGB-related conditions. This variant is not present in population databases (gnomAD no frequency). This sequence change replaces methionine, which is neutral and non-polar, with leucine, which is neutral and non-polar, at codon 415 of the PIGB protein (p.Met415Leu).

NM_004855.5(PIGB):c.1243A>T (p.Met415Leu)

Gene: PIGB (phosphatidylinositol glycan anchor biosynthesis class B; plus strand). Cytogenetic location: 15q21.3.
Variant type: single nucleotide variant.
Coding change: c.1243A>T on transcript NM_004855.5 (MANE Select); coding-DNA position 1243, A replaced by T.
Protein change: p.Met415Leu; replaces methionine 415 with leucine.
Molecular consequence: missense variant.
Genome position (GRCh38, 1-based): chr15:55,350,818, A>T. VCF-style: chr15-55350818-A-T. GRCh37 (hg19) VCF-style: chr15-55643016-A-T.
Other names: short protein forms M415L.
Identifiers: ClinVar variation 2125756 (VCV002125756.4), dbSNP rs2543144571, ClinGen allele CA392543650.